The following is an entry in ClinVar:

ClinVar aggregate classification (germline): Uncertain significance (1 of 4 stars; one submission).

Conditions:
Loeys-Dietz syndrome 4 (LDS4). Also called: TGFB2-Related Loeys-Dietz Syndrome; ANEURYSM, AORTIC AND CEREBRAL, WITH ARTERIAL TORTUOSITY AND SKELETAL MANIFESTATIONS. Identifiers: MedGen C3553762, MONDO:0013897, OMIM 614816.

gnomAD v4.1: 1 of 1,609,270 alleles (0.000062%); highest among the groups gnomAD compares: Non-Finnish European, 0.000085%; no homozygotes.

Submission:

Labcorp Genetics (formerly Invitae), Labcorp
Classification: Uncertain significance for Loeys-Dietz syndrome 4. Last evaluated: 2021-09-26. Review status: criteria provided, single submitter. Criteria: Invitae Variant Classification Sherloc (09022015). Collection method: clinical testing. Allele origin: germline.
Comment: In summary, the available evidence is currently insufficient to determine the role of this variant in disease. Therefore, it has been classified as a Variant of Uncertain Significance. Algorithms developed to predict the effect of sequence changes on RNA splicing suggest that this variant may create or strengthen a splice site. Advanced modeling of protein sequence and biophysical properties (such as structural, functional, and spatial information, amino acid conservation, physicochemical variation, residue mobility, and thermodynamic stability) performed at Invitae indicates that this missense variant is expected to disrupt TGFB2 protein function. This variant has not been reported in the literature in individuals affected with TGFB2-related conditions. This variant is not present in population databases (ExAC no frequency). This sequence change replaces glutamic acid with valine at codon 102 of the TGFB2 protein (p.Glu102Val). The glutamic acid residue is highly conserved and there is a moderate physicochemical difference between glutamic acid and valine.

NM_003238.6(TGFB2):c.305A>T (p.Glu102Val)

Gene: TGFB2 (transforming growth factor beta 2; plus strand). Cytogenetic location: 1q41.
Variant type: single nucleotide variant.
Coding change: c.305A>T on transcript NM_003238.6 (MANE Select); coding-DNA position 305, A replaced by T.
Protein change: p.Glu102Val; replaces glutamic acid 102 with valine.
Molecular consequence: missense variant. On other transcripts: non-coding transcript variant (2).
Genome position (GRCh38, 1-based): chr1:218,347,006, A>T. VCF-style: chr1-218347006-A-T. GRCh37 (hg19) VCF-style: chr1-218520348-A-T.
Other names: c.305A>T, p.Glu102Val (NM_001135599.4); short protein forms E102V.
Identifiers: ClinVar variation 1396460 (VCV001396460.6), dbSNP rs967581444, ClinGen allele CA344725740.